The following is an entry in ClinVar:

NM_003628.6(PKP4):c.130C>A (p.Gln44Lys)

Gene: PKP4 (plakophilin 4; plus strand). Cytogenetic location: 2q24.1.
Variant type: single nucleotide variant.
Coding change: c.130C>A on transcript NM_003628.6 (MANE Select); coding-DNA position 130, C replaced by A.
Protein change: p.Gln44Lys; replaces glutamine 44 with lysine.
Molecular consequence: missense variant. On other transcripts: 5 prime UTR variant (1).
Genome position (GRCh38, 1-based): chr2:158,533,314, C>A. VCF-style: chr2-158533314-C-A. GRCh37 (hg19) VCF-style: chr2-159389826-C-A.
Other names: c.130C>A, p.Gln44Lys (NM_001005476.4, NM_001304969.3, NM_001304971.2 and 9 more transcripts); c.-820C>A (NM_001304970.3); short protein forms Q44K.
Identifiers: ClinVar variation 1769611 (VCV001769611.2), dbSNP rs1256497203, ClinGen allele CA349198684.

ClinVar aggregate classification (germline): Uncertain significance (1 of 4 stars; one submission).

Allele frequency attached by ClinVar (database versions not stated): TOPMed below 0.00001.

Submission:

Ambry Genetics
Classification: Uncertain significance. Last evaluated: 2021-11-14. Review status: criteria provided, single submitter. Criteria: Ambry Variant Classification Scheme 2023. Collection method: clinical testing. Allele origin: germline.
Comment: The p.Q44K variant (also known as c.130C>A), located in coding exon 1 of the PKP4 gene, results from a C to A substitution at nucleotide position 130. The glutamine at codon 44 is replaced by lysine, an amino acid with similar properties. This amino acid position is conserved. In addition, this alteration is predicted to be deleterious by in silico analysis. Since supporting evidence is limited at this time, the clinical significance of this alteration remains unclear.